The following is an entry in ClinVar:

ClinVar aggregate classification (germline): Uncertain significance. Review status: reviewed by expert panel (3 of 4 stars). 2 submissions from 2 submitters: Uncertain significance (1). 1 of the submissions does not count toward it. Last evaluated 2026-10-12.

Conditions:
CYP1B1-related disorder. Also called: CYP1B1-Related Disorders. Identifiers: MedGen CN239260.
CYP1B1-related glaucoma with or without anterior segment dysgenesis. Identifiers: MedGen CN375931, MONDO:0800472.

gnomAD v4.1: 2 of 1,613,432 alleles (0.00012%); highest among the groups gnomAD compares: Non-Finnish European, 0.00017%; no homozygotes.

Submissions (2):

ClinGen Glaucoma Variant Curation Expert Panel
Classification: Uncertain significance for CYP1B1-related glaucoma with or without anterior segment dysgenesis. Last evaluated: 2026-10-12. Review status: reviewed by expert panel. Criteria: ClinGen Glaucoma ACMG Specifications CYP1B1 V2.0. Collection method: curation. Allele origin: germline. Inheritance: Autosomal recessive inheritance.
Comment: The c.986G>T variant in CYP1B1 is a missense variant predicted to cause substitution of Glycine by Valine at amino acid 329 (p.Gly329Val). The highest minor allele frequency of this variant was in the European (non-Finnish) genetic ancestry group of gnomAD (v4.1) = 0.000001695 (2 alleles out of 1,179,994), which met the ≤ 0.0005 threshold set for PM2_Supporting in a genetic ancestry group of at least 2,000 alleles. The REVEL score = 0.704, which was within the 0.644-0.772 range for PP3, predicting a damaging effect on CYP1B1 function. PS3_Supporting was not applied as the assay reported in PMID: 17893647 did not meet the OddsPath threshold (> 2.1). This variant has been identified in three individuals with a CYP1B1-related phenotype. One of these individuals is compound heterozygous for the variant and a pathogenic variant and one is compound heterozygous for the variant and a variant of uncertain significance (both phase unknown). Total proband points = 1, meeting PM3. In summary, this variant met the criteria to receive a score of 4 and to be classified as a variant of uncertain significance (uncertain significance classification range -1 to 5, adapted from PMID: 32720330) for CYP1B1-related glaucoma with or without anterior segment dysgenesis (ASD) based on the ACMG/AMP criteria met, as specified by the ClinGen Glaucoma VCEP (v2.0, 16.07.2026): PM3, PP3, PM2_Supporting.

Blueprint Genetics
Classification: Likely pathogenic for CYP1B1-related disorders. Last evaluated: 2023-05-31. Review status: criteria provided, single submitter. Criteria: ACMG Guidelines, 2015. Collection method: clinical testing. Allele origin: germline. Affected: yes. Observed: 2 variant alleles. Not counted in ClinVar's aggregate classification.

NM_000104.4(CYP1B1):c.986G>T (p.Gly329Val)

Gene: CYP1B1 (cytochrome P450 family 1 subfamily B member 1; minus strand). Cytogenetic location: 2p22.2.
Variant type: single nucleotide variant.
Coding change: c.986G>T on transcript NM_000104.4 (MANE Select); coding-DNA position 986, G replaced by T.
Protein change: p.Gly329Val; replaces glycine 329 with valine.
Molecular consequence: missense variant.
Genome position (GRCh38, 1-based): chr2:38,074,403, C>A on the plus strand (G>T on the coding strand, the complement: CYP1B1 is on the minus strand). VCF-style: chr2-38074403-C-A. GRCh37 (hg19) VCF-style: chr2-38301546-C-A.
Other names: NM_000104.4:c.986G>T; short protein forms G329V.
Identifiers: ClinVar variation 4954672 (VCV004954672.2).